The following is an entry in ClinVar:

NM_003640.5(ELP1):c.988T>G (p.Trp330Gly)

Gene: ELP1 (elongator acetyltransferase complex subunit 1; minus strand). Cytogenetic location: 9q31.3.
Variant type: single nucleotide variant.
Coding change: c.988T>G on transcript NM_003640.5 (MANE Select); coding-DNA position 988, T replaced by G.
Protein change: p.Trp330Gly; replaces tryptophan 330 with glycine.
Molecular consequence: missense variant. On other transcripts: 5 prime UTR variant (1).
Genome position (GRCh38, 1-based): chr9:108,912,465, A>C on the plus strand (T>G on the coding strand, the complement: ELP1 is on the minus strand). VCF-style: chr9-108912465-A-C. GRCh37 (hg19) VCF-style: chr9-111674745-A-C.
Other names: c.646T>G, p.Trp216Gly (NM_001318360.2); c.-60T>G (NM_001330749.2); short protein forms W216G, W330G.
Identifiers: ClinVar variation 3632020 (VCV003632020.2).
Genomic context (GRCh38, chr9:108,912,465, plus strand): 5'-TCAGAGACACAATCTTGCTCTTCCCACAGGTGCTGAAGGATAAACTTTGCTTGAGATACC[A>C]GTGATAGTTTCCAACAGTCCAGAGCTGAACTGCAAGGGAAAATGAAAAGAAGGCCGTTAG-3'
Protein context (NP_003631.2, residues 320-340): VQLWTVGNYH[Trp330Gly]YLKQSLSFST

ClinVar aggregate classification (germline): Uncertain significance (1 of 4 stars; one submission).

Submission:

Labcorp Genetics (formerly Invitae), Labcorp
Classification: Uncertain significance. Last evaluated: 2024-12-12. Review status: criteria provided, single submitter. Criteria: Invitae Variant Classification Sherloc (09022015). Collection method: clinical testing. Allele origin: germline.
Comment: This sequence change replaces tryptophan, which is neutral and slightly polar, with glycine, which is neutral and non-polar, at codon 330 of the ELP1 protein (p.Trp330Gly). This variant is not present in population databases (gnomAD no frequency). This variant has not been reported in the literature in individuals affected with ELP1-related conditions. Invitae Evidence Modeling of protein sequence and biophysical properties (such as structural, functional, and spatial information, amino acid conservation, physicochemical variation, residue mobility, and thermodynamic stability) indicates that this missense variant is expected to disrupt ELP1 protein function with a positive predictive value of 80%. In summary, the available evidence is currently insufficient to determine the role of this variant in disease. Therefore, it has been classified as a Variant of Uncertain Significance.